The following is an entry in ClinVar:

NM_007294.4(BRCA1):c.5257A>C (p.Arg1753=)

Gene: BRCA1 (BRCA1 DNA repair associated; minus strand). Cytogenetic location: 17q21.31.
Variant type: single nucleotide variant.
Coding change: c.5257A>C on transcript NM_007294.4 (MANE Select); coding-DNA position 5257, A replaced by C.
Protein change: p.Arg1753=; no amino-acid change (arginine 1753 retained).
Molecular consequence: synonymous variant.
Genome position (GRCh38, 1-based): chr17:43,057,072, T>G on the plus strand (A>C on the coding strand, the complement: BRCA1 is on the minus strand). VCF-style: chr17-43057072-T-G. GRCh37 (hg19) VCF-style: chr17-41209089-T-G.
Other names: c.5044A>C, p.Arg1682= (NM_001407571.1, NM_001407894.1, NM_001407895.1 and 12 more transcripts); c.5323A>C, p.Arg1775= (NM_001407581.1, NM_001407582.1); c.5320A>C, p.Arg1774= (NM_001407583.1, NM_001407585.1, NM_001407587.1 and 1 more transcripts); c.5317A>C, p.Arg1773= (NM_001407590.1, NM_001407591.1); c.5257A>C, p.Arg1753= (NM_001407593.1, NM_001407594.1, NM_001407596.1 and 7 more transcripts); c.5254A>C, p.Arg1752= (NM_001407610.1, NM_001407611.1, NM_001407612.1 and 17 more transcripts); c.5251A>C, p.Arg1751= (NM_001407627.1, NM_001407628.1, NM_001407629.1 and 14 more transcripts); c.5248A>C, p.Arg1750= (NM_001407644.1, NM_001407645.1); and 72 more.
Identifiers: ClinVar variation 865208 (VCV000865208.3), dbSNP rs1597810544, ClinGen allele CA500144577.

Conditions:
Breast-ovarian cancer, familial, susceptibility to, 1 (BROVCA1). Also called: BRCA1 Hereditary Breast and Ovarian Cancer; OVARIAN CANCER, SUSCEPTIBILITY TO. Identifiers: Orphanet 145, MedGen C2676676, MONDO:0011450, OMIM 604370. Disease mechanism: loss of function.

Submission:

Brotman Baty Institute, University of Washington
No classification provided (evidence only). Condition: Breast-ovarian cancer, familial 1. Review status: no classification provided. Collection method: in vitro. Allele origin: not applicable. Functional consequence: functionally_normal.
ClinVar note: "not provided" was previously submitted as the classification for the variant. However, the classification appeared to be based only on an observation of functional data so it was converted to no classification on 2025-07-30.